The following is an entry in ClinVar:

NM_001394062.1(MACF1):c.3434C>T (p.Thr1145Ile)

Gene: MACF1 (microtubule actin crosslinking factor 1; plus strand). Cytogenetic location: 1p34.3.
Variant type: single nucleotide variant.
Coding change: c.3434C>T on transcript NM_001394062.1 (MANE Select); coding-DNA position 3434, C replaced by T.
Protein change: p.Thr1145Ile; replaces threonine 1145 with isoleucine.
Molecular consequence: missense variant.
Genome position (GRCh38, 1-based): chr1:39,315,676, C>T. VCF-style: chr1-39315676-C-T. GRCh37 (hg19) VCF-style: chr1-39781348-C-T.
Other names: c.3449C>T, p.Thr1150Ile (NM_012090.5); short protein forms T1145I, T1150I.
Identifiers: ClinVar variation 5017744 (VCV005017744.2).

ClinVar aggregate classification (germline): Uncertain significance (1 of 4 stars; one submission).

Submission:

GeneDx
Classification: Uncertain significance. Last evaluated: 2026-10-16. Review status: criteria provided, single submitter. Criteria: GeneDx Variant Classification Process June 2021. Collection method: clinical testing. Allele origin: germline.
Comment: Not observed at significant frequency in large population cohorts (gnomAD); In silico analysis supports that this missense variant has a deleterious effect on protein structure/function; In silico analysis is inconclusive as to whether the variant alters gene splicing. In the absence of RNA/functional studies, the actual effect of this sequence change is unknown.; Has not been previously published as pathogenic or benign to our knowledge